The following is an entry in ClinVar:

ClinVar aggregate classification (germline): Uncertain significance. Review status: criteria provided, multiple submitters, no conflicts (2 of 4 stars). 2 submissions from 2 submitters: Uncertain significance (2). Last evaluated 2025-10-08.

gnomAD v4.1: 11 of 1,614,102 alleles (0.00068%); highest among the groups gnomAD compares: Non-Finnish European, 0.00085%; no homozygotes.

Submissions (2):

Labcorp Genetics (formerly Invitae), Labcorp
Classification: Uncertain significance. Last evaluated: 2025-10-08. Review status: criteria provided, single submitter. Criteria: Invitae Variant Classification Sherloc (09022015). Collection method: clinical testing. Allele origin: germline.
Comment: This sequence change replaces glutamic acid, which is acidic and polar, with lysine, which is basic and polar, at codon 548 of the CFI protein (p.Glu548Lys). This variant is not present in population databases (gnomAD no frequency). This variant has not been reported in the literature in individuals affected with CFI-related conditions. ClinVar contains an entry for this variant (Variation ID: 3606681). Invitae Evidence Modeling of protein sequence and biophysical properties (such as structural, functional, and spatial information, amino acid conservation, physicochemical variation, residue mobility, and thermodynamic stability) indicates that this missense variant is expected to disrupt CFI protein function with a positive predictive value of 80%. In summary, the available evidence is currently insufficient to determine the role of this variant in disease. Therefore, it has been classified as a Variant of Uncertain Significance.

Blueprint Genetics
Classification: Uncertain significance. Last evaluated: 2024-08-23. Review status: criteria provided, single submitter. Criteria: ACMG Guidelines, 2015. Collection method: clinical testing. Allele origin: germline.

NM_000204.5(CFI):c.1642G>A (p.Glu548Lys)

Gene: CFI (complement factor I; minus strand). Cytogenetic location: 4q25.
Variant type: single nucleotide variant.
Coding change: c.1642G>A on transcript NM_000204.5 (MANE Select); coding-DNA position 1642, G replaced by A.
Protein change: p.Glu548Lys; replaces glutamic acid 548 with lysine.
Molecular consequence: missense variant. On other transcripts: non-coding transcript variant (3), intron variant (5).
Genome position (GRCh38, 1-based): chr4:109,741,003, C>T on the plus strand (G>A on the coding strand, the complement: CFI is on the minus strand). VCF-style: chr4-109741003-C-T. GRCh37 (hg19) VCF-style: chr4-110662159-C-T.
Other names: c.1666G>A, p.Glu556Lys (NM_001318057.2); c.1621G>A, p.Glu541Lys (NM_001331035.2); c.1585G>A, p.Glu529Lys (NM_001375283.1); c.1033G>A, p.Glu345Lys (NM_001375284.1); c.1513+1488G>A (NM_001375282.1, NM_001375280.1); c.1534+1488G>A (NM_001375281.1, NM_001375279.1); c.1558+1488G>A (NM_001375278.1); short protein forms E345K, E529K, E541K, E548K, E556K.
Identifiers: ClinVar variation 3606681 (VCV003606681.3).